The following is an entry in ClinVar:

NM_000138.5(FBN1):c.7819+1G>A

Gene: FBN1 (fibrillin 1; minus strand). Cytogenetic location: 15q21.1.
Variant type: single nucleotide variant.
Coding change: c.7819+1G>A on transcript NM_000138.5 (MANE Select); the canonical splice donor site of the intron after coding-DNA position 7819, G replaced by A.
Molecular consequence: splice donor variant.
Genome position (GRCh38, 1-based): chr15:48,420,686, C>T on the plus strand (G>A on the coding strand, the complement: FBN1 is on the minus strand). VCF-style: chr15-48420686-C-T. GRCh37 (hg19) VCF-style: chr15-48712883-C-T.
Other names: c.7819+1G>A (NM_001406716.1).
Identifiers: ClinVar variation 430010 (VCV000430010.6), dbSNP rs112907302, ClinGen allele CA392324382.

ClinVar aggregate classification (germline): Pathogenic. Review status: criteria provided, multiple submitters, no conflicts (2 of 4 stars). 3 submissions from 3 submitters: Pathogenic (2). 1 of the submissions does not count toward it. Last evaluated 2023-07-22.

Conditions:
Marfan syndrome (MFS). Also called: MARFAN SYNDROME, TYPE I; FBN1-Related Marfan Syndrome; Marfan syndrome type 1; Marfan's syndrome; Marfan syndrome, classic. Identifiers: Orphanet 284963, Orphanet 558, MedGen C0024796, MONDO:0007947, OMIM 154700.
Familial thoracic aortic aneurysm and aortic dissection (TAAD). Also called: Thoracic aortic aneurysms and dissections. Identifiers: Orphanet 91387, MedGen C4707243, MONDO:0019625.

Submissions (3):

Labcorp Genetics (formerly Invitae), Labcorp
Classification: Pathogenic for Marfan syndrome; Familial thoracic aortic aneurysm and aortic dissection. Last evaluated: 2023-07-22. Review status: criteria provided, single submitter. Criteria: Invitae Variant Classification Sherloc (09022015). Collection method: clinical testing. Allele origin: germline.
Comment: For these reasons, this variant has been classified as Pathogenic. Algorithms developed to predict the effect of sequence changes on RNA splicing suggest that this variant may disrupt the consensus splice site. ClinVar contains an entry for this variant (Variation ID: 430010). Disruption of this splice site has been observed in individual(s) with Marfan syndrome (PMID: 19293843, 31536524). This variant is not present in population databases (gnomAD no frequency). This sequence change affects a donor splice site in intron 63 of the FBN1 gene. It is expected to disrupt RNA splicing. Variants that disrupt the donor or acceptor splice site typically lead to a loss of protein function (PMID: 16199547), and loss-of-function variants in FBN1 are known to be pathogenic (PMID: 17657824, 19293843).

GeneDx
Classification: Pathogenic. Last evaluated: 2023-03-18. Review status: criteria provided, single submitter. Criteria: GeneDx Variant Classification Process June 2021. Collection method: clinical testing. Allele origin: germline. Affected: yes.
Comment: Canonical splice site variant expected to result in aberrant splicing, although in the absence of functional evidence the actual effect of this sequence change is unknown.; Not observed at significant frequency in large population cohorts (gnomAD); This variant is associated with the following publications: (PMID: 25525159, 19293843, 31536524)

Center for Medical Genetics Ghent, University of Ghent
Classification: Likely pathogenic for Marfan syndrome. Last evaluated: 2017-11-07. Review status: no assertion criteria provided. Collection method: clinical testing. Allele origin: germline. Affected: yes. Not counted in ClinVar's aggregate classification.

Literature cited by the submitters: PubMed 19293843 (cited by Labcorp Genetics (formerly Invitae), Labcorp); PubMed 31536524 (cited by Labcorp Genetics (formerly Invitae), Labcorp); PubMed 16199547 (cited by Labcorp Genetics (formerly Invitae), Labcorp); PubMed 17657824 (cited by Labcorp Genetics (formerly Invitae), Labcorp).